The following is an entry in ClinVar:

NM_014254.3(RXYLT1):c.107C>T (p.Pro36Leu)

Gene: RXYLT1 (ribitol xylosyltransferase 1; plus strand). Cytogenetic location: 12q14.2.
Variant type: single nucleotide variant.
Coding change: c.107C>T on transcript NM_014254.3 (MANE Select); coding-DNA position 107, C replaced by T.
Protein change: p.Pro36Leu; replaces proline 36 with leucine.
Molecular consequence: missense variant. On other transcripts: 5 prime UTR variant (1).
Genome position (GRCh38, 1-based): chr12:63,780,067, C>T. VCF-style: chr12-63780067-C-T. GRCh37 (hg19) VCF-style: chr12-64173847-C-T.
Other names: c.-1007C>T (NM_001278237.2); short protein forms P36L.
Identifiers: ClinVar variation 1042618 (VCV001042618.8), dbSNP rs1897637160, ClinGen allele CA385583944.
Genomic context (GRCh38, chr12:63,780,067, plus strand): 5'-ACTGCCTATTCTCCCTCTACGCTGCCTACCACGTCTTCTTCGGGCGCCGCCGCCAGGCGC[C>T]GGCCGGGTCCCCGCGGGGCCTCAGGAAGGGGGCGGCCCCCGCGCGGGAGAGACGCGGCCG-3'
Protein context (NP_055069.1, residues 26-46): HVFFGRRRQA[Pro36Leu]AGSPRGLRKG

ClinVar aggregate classification (germline): Uncertain significance (1 of 4 stars; one submission).

Allele frequency attached by ClinVar (database versions not stated): gnomAD exomes below 0.00001.

Submission:

Labcorp Genetics (formerly Invitae), Labcorp
Classification: Uncertain significance. Last evaluated: 2022-07-25. Review status: criteria provided, single submitter. Criteria: Invitae Variant Classification Sherloc (09022015). Collection method: clinical testing. Allele origin: germline.
Comment: This sequence change replaces proline, which is neutral and non-polar, with leucine, which is neutral and non-polar, at codon 36 of the RXYLT1 protein (p.Pro36Leu). This variant is not present in population databases (gnomAD no frequency). This variant has not been reported in the literature in individuals affected with RXYLT1-related conditions. ClinVar contains an entry for this variant (Variation ID: 1042618). Algorithms developed to predict the effect of missense changes on protein structure and function (SIFT, PolyPhen-2, Align-GVGD) all suggest that this variant is likely to be tolerated. In summary, the available evidence is currently insufficient to determine the role of this variant in disease. Therefore, it has been classified as a Variant of Uncertain Significance.